The following is an entry in ClinVar:

ClinVar aggregate classification (germline): Uncertain significance (1 of 4 stars; one submission).

Conditions:
Primary ciliary dyskinesia. Also called: Ciliary dyskinesia. Identifiers: Orphanet 244, MedGen C0008780, MONDO:0016575, HP:0012265.

Allele frequency attached by ClinVar (database versions not stated): ExAC 0.00001; gnomAD exomes 0.00001; TOPMed 0.00001.
gnomAD v4.1: 2 of 1,614,068 alleles (0.00012%); highest among the groups gnomAD compares: Admixed American, 0.0017%; no homozygotes.

Submission:

Labcorp Genetics (formerly Invitae), Labcorp
Classification: Uncertain significance for Primary ciliary dyskinesia. Last evaluated: 2024-10-16. Review status: criteria provided, single submitter. Criteria: Invitae Variant Classification Sherloc (09022015). Collection method: clinical testing. Allele origin: germline.
Comment: This sequence change replaces glycine, which is neutral and non-polar, with cysteine, which is neutral and slightly polar, at codon 52 of the RSPH9 protein (p.Gly52Cys). This variant is present in population databases (rs763447905, gnomAD 0.003%). This variant has not been reported in the literature in individuals affected with RSPH9-related conditions. ClinVar contains an entry for this variant (Variation ID: 1491809). An algorithm developed to predict the effect of missense changes on protein structure and function (PolyPhen-2) suggests that this variant is likely to be disruptive. In summary, the available evidence is currently insufficient to determine the role of this variant in disease. Therefore, it has been classified as a Variant of Uncertain Significance.

NM_152732.5(RSPH9):c.154G>T (p.Gly52Cys)

Gene: RSPH9 (radial spoke head component 9; plus strand). Cytogenetic location: 6p21.1.
Variant type: single nucleotide variant.
Coding change: c.154G>T on transcript NM_152732.5 (MANE Select); coding-DNA position 154, G replaced by T.
Protein change: p.Gly52Cys; replaces glycine 52 with cysteine.
Molecular consequence: missense variant. On other transcripts: non-coding transcript variant (2).
Genome position (GRCh38, 1-based): chr6:43,645,252, G>T. VCF-style: chr6-43645252-G-T. GRCh37 (hg19) VCF-style: chr6-43612989-G-T.
Other names: c.154G>T, p.Gly52Cys (NM_001193341.2, NM_001424119.1, NM_001424120.1 and 1 more transcripts); short protein forms G52C.
Identifiers: ClinVar variation 1491809 (VCV001491809.7), dbSNP rs763447905, ClinGen allele CA3828218.